The following is an entry in ClinVar:

NM_001244710.2(GFPT1):c.245A>G (p.Asp82Gly)

Gene: GFPT1 (glutamine--fructose-6-phosphate transaminase 1; minus strand). Cytogenetic location: 2p13.3.
Variant type: single nucleotide variant.
Coding change: c.245A>G on transcript NM_001244710.2 (MANE Select); coding-DNA position 245, A replaced by G.
Protein change: p.Asp82Gly; replaces aspartic acid 82 with glycine.
Molecular consequence: missense variant.
Genome position (GRCh38, 1-based): chr2:69,363,649, T>C on the plus strand (A>G on the coding strand, the complement: GFPT1 is on the minus strand). VCF-style: chr2-69363649-T-C. GRCh37 (hg19) VCF-style: chr2-69590781-T-C.
Other names: c.245A>G, p.Asp82Gly (NM_002056.4); c.245A>G (NM_002056.3); short protein forms D82G.
Identifiers: ClinVar variation 970588 (VCV000970588.11), dbSNP rs192925673, ClinGen allele CA1693933.
Genomic context (GRCh38, chr2:69,363,649, plus strand): 5'-GGTTCTCCATGTGTTGCCCAACGGGTATGAGCTATTCCAAGGTGTACATCAAATTCTATA[T>C]CCAAATCCATATCTTGTTGCTCTGAAGAATATGAAAAGAAAAATTTCAATATTAAATCAT-3'
Protein context (NP_001231639.1, residues 72-92): EVHKQQDMDL[Asp82Gly]IEFDVHLGIA

ClinVar aggregate classification (germline): Uncertain significance. Review status: criteria provided, multiple submitters, no conflicts (2 of 4 stars). 2 submissions from 2 submitters: Uncertain significance (2). Last evaluated 2024-01-17.

Conditions:
Inborn genetic diseases. Identifiers: MedGen C0950123, MeSH D030342.
Congenital myasthenic syndrome 12 (CMS12). Also called: MYASTHENIC SYNDROME, CONGENITAL, WITH TUBULAR AGGREGATES 1; Myasthenia, congenital, 12, with tubular aggregates. Identifiers: Orphanet 353327, Orphanet 590, MedGen C3552335, MONDO:0012518, OMIM 610542.

Allele frequency attached by ClinVar (database versions not stated): TOPMed below 0.00001; ExAC 0.00001; gnomAD exomes 0.00001; 1000 Genomes Project 30x 0.00016; 1000 Genomes Project 0.00020.
gnomAD v4.1: 5 of 1,607,376 alleles (0.00031%); highest among the groups gnomAD compares: African/African-American, 0.0027%; no homozygotes.

Submissions (2):

Ambry Genetics
Classification: Uncertain significance for Inborn genetic diseases. Last evaluated: 2024-01-17. Review status: criteria provided, single submitter. Criteria: Ambry Variant Classification Scheme 2023. Collection method: clinical testing. Allele origin: germline.

Labcorp Genetics (formerly Invitae), Labcorp
Classification: Uncertain significance for Congenital myasthenic syndrome 12. Last evaluated: 2022-08-22. Review status: criteria provided, single submitter. Criteria: Invitae Variant Classification Sherloc (09022015). Collection method: clinical testing. Allele origin: germline.
Comment: This sequence change replaces aspartic acid, which is acidic and polar, with glycine, which is neutral and non-polar, at codon 82 of the GFPT1 protein (p.Asp82Gly). In summary, the available evidence is currently insufficient to determine the role of this variant in disease. Therefore, it has been classified as a Variant of Uncertain Significance. Algorithms developed to predict the effect of sequence changes on RNA splicing suggest that this variant may create or strengthen a splice site. Algorithms developed to predict the effect of missense changes on protein structure and function are either unavailable or do not agree on the potential impact of this missense change (SIFT: "Deleterious"; PolyPhen-2: "Possibly Damaging"; Align-GVGD: "Class C0"). ClinVar contains an entry for this variant (Variation ID: 970588). This variant has not been reported in the literature in individuals affected with GFPT1-related conditions. This variant is present in population databases (rs192925673, gnomAD 0.007%).